The following is an entry in ClinVar:

ClinVar aggregate classification (germline): Pathogenic/Likely pathogenic. Review status: criteria provided, multiple submitters, no conflicts (2 of 4 stars). 2 submissions from 2 submitters: Pathogenic (1); Likely pathogenic (1). Last evaluated 2024-03-18.

Conditions:
VPS13A-related neurodegenerative disease. Also called: ACANTHOCYTOSIS WITH NEUROLOGIC DISORDER; LEVINE-CRITCHLEY SYNDROME; Choreaacanthocytosis; Choreoacanthocytosis; Chorea-acanthocytosis; VPS13A Disease. Identifiers: Orphanet 2388, MedGen C0393576, MONDO:0008695, OMIM 200150.

Submissions (2):

Fulgent Genetics
Classification: Likely pathogenic for VPS13A-related neurodegenerative disease. Last evaluated: 2024-03-18. Review status: criteria provided, single submitter. Criteria: ACMG Guidelines, 2015. Collection method: clinical testing. Allele origin: germline.

Foundation for Research in Genetics and Endocrinology, FRIGE's Institute of Human Genetics
Classification: Pathogenic for VPS13A-related neurodegenerative disease. Last evaluated: 2020-01-17. Review status: criteria provided, single submitter. Criteria: ACMG Guidelines, 2015. Collection method: clinical testing. Allele origin: germline. Inheritance: Autosomal recessive inheritance. Affected: yes. Observed: 1 homozygote.
Comment: A Homozygous 5' splice site variation in intron 7 of the VPS13A gene that affects the invariant GT donor splice site of exon 7 was detected. The observed variant c.555+1G>A has not been reported in the 1000 genomes and ExAC databases. The in silico prediction of the variant is damaging by MutationTaster2. The reference codon is conserved across species. In summary, the variant meets our criteria to be classified as pathogenic.

NM_033305.3(VPS13A):c.555+1G>A

Gene: VPS13A (vacuolar protein sorting 13 homolog A; plus strand). Cytogenetic location: 9q21.2.
Variant type: single nucleotide variant.
Coding change: c.555+1G>A on transcript NM_033305.3 (MANE Select); the canonical splice donor site of the intron after coding-DNA position 555, G replaced by A.
Molecular consequence: splice donor variant.
Genome position (GRCh38, 1-based): chr9:77,210,676, G>A. VCF-style: chr9-77210676-G-A. GRCh37 (hg19) VCF-style: chr9-79825592-G-A.
Other names: c.555+1G>A (NM_001018037.2, NM_015186.4, NM_001018038.3).
Identifiers: ClinVar variation 818223 (VCV000818223.4), dbSNP rs1590003601, ClinGen allele CA373842505.